The following is an entry in ClinVar:

NM_006277.3(ITSN2):c.2199_2219dup (p.Lys741_Asp742insAlaGluGluLysGlnArgLys)

Gene: ITSN2 (intersectin 2; minus strand). Cytogenetic location: 2p23.3.
Variant type: Duplication.
Coding change: c.2199_2219dup on transcript NM_006277.3 (MANE Select); coding-DNA positions 2199 to 2219, 21 bases duplicated (GAAAGCTGAGGAGAAACAACG).
Protein change: p.Lys741_Asp742insAlaGluGluLysGlnArgLys.
Molecular consequence: inframe insertion. On other transcripts: splice donor variant (3).
Genome position (GRCh38, 1-based): chr2:24,271,804-24,271,824, CGTTGTTTCTCCTCAGCTTTC duplicated on the plus strand (GAAAGCTGAGGAGAAACAACG on the coding strand, the reverse complement: ITSN2 is on the minus strand); duplicating any 21 consecutive bases within chr2:24,271,804-24,271,828 gives the same sequence; the c. name uses the placement nearest the transcript's 3' end. VCF-style (leftmost placement, unchanged base first): chr2-24271803-A-ACGTTGTTTCTCCTCAGCTTTC. GRCh37 (hg19) VCF-style: chr2-24494672-A-ACGTTGTTTCTCCTCAGCTTTC.
Other names: c.2157_2177dup, p.Lys727_Asp728insAlaGluGluLysGlnArgLys (NM_001348181.2); c.2118_2138dup, p.Lys714_Asp715insAlaGluGluLysGlnArgLys (NM_001348183.2, NM_019595.4); c.2076_2096dup, p.Lys700_Asp701insAlaGluGluLysGlnArgLys (NM_001348184.2); c.2199_2219dup, p.Lys741_Asp742insAlaGluGluLysGlnArgLys (NM_147152.3); c.2118_2137+1dup (NM_001348182.2, NM_001348186.2); c.2199_2218+1dup (NM_001348185.2).
Identifiers: ClinVar variation 2635591 (VCV002635591.4), dbSNP rs751383358, ClinGen allele CA1551254.

ClinVar aggregate classification (germline): Uncertain significance. Review status: criteria provided, multiple submitters, no conflicts (2 of 4 stars). 2 submissions from 2 submitters: Uncertain significance (2). Last evaluated 2025-10-05.

Conditions:
ITSN2-related disorder. Also called: ITSN2-related condition.

Submissions (2):

Labcorp Genetics (formerly Invitae), Labcorp
Classification: Uncertain significance. Last evaluated: 2025-10-05. Review status: criteria provided, single submitter. Criteria: Invitae Variant Classification Sherloc (09022015). Collection method: clinical testing. Allele origin: germline.
Comment: This variant, c.2199_2219dup, results in the insertion of 7 amino acid(s) of the ITSN2 protein (p.Ala735_Lys741dup), but otherwise preserves the integrity of the reading frame. This variant is present in population databases (rs751383358, gnomAD 0.003%). This variant has not been reported in the literature in individuals affected with ITSN2-related conditions. ClinVar contains an entry for this variant (Variation ID: 2635591). In summary, the available evidence is currently insufficient to determine the role of this variant in disease. Therefore, it has been classified as a Variant of Uncertain Significance.

PreventionGenetics, part of Exact Sciences
Classification: Uncertain significance for ITSN2-related condition. Last evaluated: 2022-12-09. Review status: criteria provided, single submitter. Criteria: ACMG Guidelines, 2015. Collection method: clinical testing. Allele origin: germline.
Comment: The ITSN2 c.2199_2219dup21 variant is predicted to result in an in-frame duplication (p.Ala735_Lys741dup). To our knowledge, this variant has not been reported in the literature. This variant is reported in 0.0030% of alleles in individuals of Latino descent in gnomAD. At this time, the clinical significance of this variant is uncertain due to the absence of conclusive functional and genetic evidence.